The following is an entry in ClinVar:

ClinVar aggregate classification (germline): Uncertain significance (1 of 4 stars; one submission).

Allele frequency attached by ClinVar (database versions not stated): gnomAD exomes below 0.00001; ExAC 0.00002; gnomAD 0.00006; TOPMed 0.00009; ESP Exome Variant Server 0.00015; 1000 Genomes Project 30x 0.00031; 1000 Genomes Project 0.00040.
gnomAD v4.1: 15 of 1,614,118 alleles (0.00093%); highest among the groups gnomAD compares: African/African-American, 0.02%; no homozygotes.

Submission:

Labcorp Genetics (formerly Invitae), Labcorp
Classification: Uncertain significance. Last evaluated: 2023-04-09. Review status: criteria provided, single submitter. Criteria: Invitae Variant Classification Sherloc (09022015). Collection method: clinical testing. Allele origin: germline.
Comment: This sequence change replaces asparagine, which is neutral and polar, with serine, which is neutral and polar, at codon 476 of the ZMIZ1 protein (p.Asn476Ser). This variant is present in population databases (rs146714955, gnomAD 0.02%). This variant has not been reported in the literature in individuals affected with ZMIZ1-related conditions. Advanced modeling of protein sequence and biophysical properties (such as structural, functional, and spatial information, amino acid conservation, physicochemical variation, residue mobility, and thermodynamic stability) performed at Invitae indicates that this missense variant is not expected to disrupt ZMIZ1 protein function. In summary, the available evidence is currently insufficient to determine the role of this variant in disease. Therefore, it has been classified as a Variant of Uncertain Significance.

NM_020338.4(ZMIZ1):c.1427A>G (p.Asn476Ser)

Gene: ZMIZ1 (zinc finger MIZ-type containing 1; plus strand). Cytogenetic location: 10q22.3.
Variant type: single nucleotide variant.
Coding change: c.1427A>G on transcript NM_020338.4 (MANE Select); coding-DNA position 1427, A replaced by G.
Protein change: p.Asn476Ser; replaces asparagine 476 with serine.
Molecular consequence: missense variant.
Genome position (GRCh38, 1-based): chr10:79,297,626, A>G. VCF-style: chr10-79297626-A-G. GRCh37 (hg19) VCF-style: chr10-81057383-A-G.
Other names: short protein forms N476S.
Identifiers: ClinVar variation 2900747 (VCV002900747.3), dbSNP rs146714955, ClinGen allele CA5572680.